The following is an entry in ClinVar:

NM_000038.6(APC):c.964C>T (p.Leu322Phe)

Gene: APC (APC regulator of Wnt signaling pathway; plus strand). Cytogenetic location: 5q22.2.
Variant type: single nucleotide variant.
Coding change: c.964C>T on transcript NM_000038.6 (MANE Select); coding-DNA position 964, C replaced by T.
Protein change: p.Leu322Phe; replaces leucine 322 with phenylalanine.
Molecular consequence: missense variant. On other transcripts: non-coding transcript variant (2), intron variant (15).
Genome position (GRCh38, 1-based): chr5:112,818,996, C>T. VCF-style: chr5-112818996-C-T. GRCh37 (hg19) VCF-style: chr5-112154693-C-T.
Other names: c.964C>T, p.Leu322Phe (NM_001127510.3, NM_001354895.2, NM_001354896.2 and 4 more transcripts); c.910C>T, p.Leu304Phe (NM_001127511.3); c.994C>T, p.Leu332Phe (NM_001354897.2, NM_001407446.1); c.889C>T, p.Leu297Phe (NM_001354898.2, NM_001407451.1); c.880C>T, p.Leu294Phe (NM_001354899.2, NM_001407452.1); c.787C>T, p.Leu263Phe (NM_001354900.2, NM_001354901.2, NM_001407453.1); c.115C>T, p.Leu39Phe (NM_001354906.2, NM_001407470.1); c.85-273C>T (NM_001407472.1, NM_001407471.1); and 6 more; short protein forms L263F, L294F, L297F, L304F, L322F, L332F, L39F.
Identifiers: ClinVar variation 2676790 (VCV002676790.2), dbSNP rs2149779071, ClinGen allele CA16023421.
Genomic context (GRCh38, chr5:112,818,996, plus strand): 5'-ATTTTGTTTCTAAACTCATTTGGCCCACAGGTGGAAATGGTGTATTCATTGTTGTCAATG[C>T]TTGGTACTCATGATAAGGATGATATGTCGCGAACTTTGCTAGCTATGTCTAGCTCCCAAG-3'
Protein context (NP_000029.2, residues 312-332): VEMVYSLLSM[Leu322Phe]GTHDKDDMSR

ClinVar aggregate classification (germline): Uncertain significance. Review status: criteria provided, multiple submitters, no conflicts (2 of 4 stars). 2 submissions from 2 submitters: Uncertain significance (2). Last evaluated 2024-05-13.

Conditions:
Hereditary cancer-predisposing syndrome. Also called: Neoplastic Syndromes, Hereditary; Tumor predisposition; Hereditary Cancer Syndrome; Hereditary neoplastic syndrome. Identifiers: Orphanet 140162, MedGen C0027672, MeSH D009386, MONDO:0015356.
Familial adenomatous polyposis 1 (FAP1). Also called: FAMILIAL ADENOMATOUS POLYPOSIS 1, ATTENUATED; POLYPOSIS, ADENOMATOUS INTESTINAL. Identifiers: MedGen C2713442, MONDO:0021056, OMIM 175100. Disease mechanism: loss of function.

Submissions (2):

Ambry Genetics
Classification: Uncertain significance for Hereditary cancer-predisposing syndrome. Last evaluated: 2024-05-13. Review status: criteria provided, single submitter. Criteria: Ambry Variant Classification Scheme 2023. Collection method: clinical testing. Allele origin: germline.
Comment: The p.L322F variant (also known as c.964C>T), located in coding exon 9 of the APC gene, results from a C to T substitution at nucleotide position 964. The leucine at codon 322 is replaced by phenylalanine, an amino acid with highly similar properties. This amino acid position is highly conserved in available vertebrate species. In addition, in silico predictors for this gene do not accurately predict pathogenicity. Missense alterations in APC are not a common cause of disease (Spier I et al. Genet Med. 2024 Feb;26(2):100992). Based on the available evidence, the clinical significance of this variant remains unclear.

Baylor Genetics
Classification: Uncertain significance for Familial adenomatous polyposis 1. Last evaluated: 2023-10-26. Review status: criteria provided, single submitter. Criteria: ACMG Guidelines, 2015. Collection method: clinical testing. Allele origin: unknown.